The following is an entry in ClinVar:

ClinVar aggregate classification (germline): Uncertain significance (1 of 4 stars; one submission).

gnomAD v4.1: 3 of 1,612,712 alleles (0.00019%); highest among the groups gnomAD compares: Admixed American, 0.0033%; no homozygotes.

Submission:

Labcorp Genetics (formerly Invitae), Labcorp
Classification: Uncertain significance. Last evaluated: 2024-07-19. Review status: criteria provided, single submitter. Criteria: Invitae Variant Classification Sherloc (09022015). Collection method: clinical testing. Allele origin: germline.
Comment: This sequence change replaces serine, which is neutral and polar, with leucine, which is neutral and non-polar, at codon 33 of the SEC24D protein (p.Ser33Leu). This variant is present in population databases (rs760295849, gnomAD 0.003%). This variant has not been reported in the literature in individuals affected with SEC24D-related conditions. An algorithm developed to predict the effect of missense changes on protein structure and function (PolyPhen-2) suggests that this variant is likely to be tolerated. In summary, the available evidence is currently insufficient to determine the role of this variant in disease. Therefore, it has been classified as a Variant of Uncertain Significance.

NM_014822.4(SEC24D):c.98C>T (p.Ser33Leu)

Gene: SEC24D (SEC24 homolog D, COPII component; minus strand). Cytogenetic location: 4q26.
Variant type: single nucleotide variant.
Coding change: c.98C>T on transcript NM_014822.4 (MANE Select); coding-DNA position 98, C replaced by T.
Protein change: p.Ser33Leu; replaces serine 33 with leucine.
Molecular consequence: missense variant.
Genome position (GRCh38, 1-based): chr4:118,833,599, G>A on the plus strand (C>T on the coding strand, the complement: SEC24D is on the minus strand). VCF-style: chr4-118833599-G-A. GRCh37 (hg19) VCF-style: chr4-119754754-G-A.
Other names: c.98C>T, p.Ser33Leu (NM_001318066.2); short protein forms S33L.
Identifiers: ClinVar variation 3696888 (VCV003696888.2).